The following is an entry in ClinVar:

NM_001253697.2(ERBIN):c.1508A>T (p.His503Leu)

Gene: ERBIN (erbb2 interacting protein; plus strand). Cytogenetic location: 5q12.3.
Variant type: single nucleotide variant.
Coding change: c.1508A>T on transcript NM_001253697.2 (MANE Select); coding-DNA position 1508, A replaced by T.
Protein change: p.His503Leu; replaces histidine 503 with leucine.
Molecular consequence: missense variant.
Genome position (GRCh38, 1-based): chr5:66,044,216, A>T. VCF-style: chr5-66044216-A-T. GRCh37 (hg19) VCF-style: chr5-65340044-A-T.
Other names: c.1508A>T, p.His503Leu (NM_001006600.3, NM_001253698.2, NM_001253699.2 and 2 more transcripts); short protein forms H503L.
Identifiers: ClinVar variation 4779183 (VCV004779183.1).

ClinVar aggregate classification (germline): Uncertain significance (1 of 4 stars; one submission).

Submission:

Labcorp Genetics (formerly Invitae), Labcorp
Classification: Uncertain significance. Last evaluated: 2025-08-24. Review status: criteria provided, single submitter. Criteria: Invitae Variant Classification Sherloc (09022015). Collection method: clinical testing. Allele origin: germline.
Comment: This sequence change replaces histidine, which is basic and polar, with leucine, which is neutral and non-polar, at codon 503 of the ERBIN protein (p.His503Leu). This variant is present in population databases (rs758211406, gnomAD 0.003%). This variant has not been reported in the literature in individuals affected with ERBIN-related conditions. An algorithm developed to predict the effect of missense changes on protein structure and function (PolyPhen-2) suggests that this variant is likely to be disruptive. In summary, the available evidence is currently insufficient to determine the role of this variant in disease. Therefore, it has been classified as a Variant of Uncertain Significance.